The following is an entry in ClinVar:

ClinVar aggregate classification (germline): Uncertain significance. Review status: criteria provided, multiple submitters, no conflicts (2 of 4 stars). 2 submissions from 2 submitters: Uncertain significance (2). Last evaluated 2026-02-10.

Conditions:
LEPR-related disorder. Also called: LEPR-related disorders; LEPR-related condition.
Inborn genetic diseases. Identifiers: MedGen C0950123, MeSH D030342.

gnomAD v4.1: 2 of 1,614,114 alleles (0.00012%); highest among the groups gnomAD compares: South Asian, 0.0022%; no homozygotes.

Submissions (2):

PreventionGenetics, part of Exact Sciences
Classification: Uncertain significance for LEPR-related condition. Last evaluated: 2026-02-10. Review status: criteria provided, single submitter. Criteria: ACMG Guidelines, 2015. Collection method: clinical testing. Allele origin: germline.
Comment: The LEPR c.1562C>T variant is predicted to result in the amino acid substitution p.Ser521Leu. In vitro functional studies showed this variant did not reduce protein function and could cause increased function (Supplemental Data Set 3, Shah et al. 2023. PubMed ID: 36864747). This variant has not been reported in a large population database (gnomAD), indicating this variant is rare. At this time, the clinical significance of this variant is uncertain due to the absence of conclusive functional and genetic evidence.

Ambry Genetics
Classification: Uncertain significance for Inborn genetic diseases. Last evaluated: 2025-09-09. Review status: criteria provided, single submitter. Criteria: Ambry Variant Classification Scheme 2023. Collection method: clinical testing. Allele origin: germline.

NM_002303.6(LEPR):c.1562C>T (p.Ser521Leu)

Gene: LEPR (leptin receptor; plus strand). Cytogenetic location: 1p31.3.
Variant type: single nucleotide variant.
Coding change: c.1562C>T on transcript NM_002303.6 (MANE Select); coding-DNA position 1562, C replaced by T.
Protein change: p.Ser521Leu; replaces serine 521 with leucine.
Molecular consequence: missense variant.
Genome position (GRCh38, 1-based): chr1:65,605,196, C>T. VCF-style: chr1-65605196-C-T. GRCh37 (hg19) VCF-style: chr1-66070879-C-T.
Other names: c.1562C>T, p.Ser521Leu (NM_001003679.3, NM_001003680.3, NM_001198687.2 and 2 more transcripts); short protein forms S521L.
Identifiers: ClinVar variation 4097338 (VCV004097338.2).